The following is an entry in ClinVar:

NM_001369268.1(ACAN):c.7220-3C>A

Gene: ACAN (aggrecan; plus strand). Cytogenetic location: 15q26.1.
Variant type: single nucleotide variant.
Coding change: c.7220-3C>A on transcript NM_001369268.1 (MANE Select); 3 bases into the intron before coding-DNA position 7220, C replaced by A.
Molecular consequence: intron variant.
Genome position (GRCh38, 1-based): chr15:88,872,000, C>A. VCF-style: chr15-88872000-C-A. GRCh37 (hg19) VCF-style: chr15-89415231-C-A.
Other names: c.7106-3C>A (NM_013227.4); c.6992-3C>A (NM_001135.4).
Identifiers: ClinVar variation 1914375 (VCV001914375.5), dbSNP rs764447775, ClinGen allele CA7720611.
Genomic context (GRCh38, chr15:88,872,000, plus strand): 5'-CAAGTTTCTCAGACACCCTCAGGGTGTCCAGTGTGATGCCTGACACCCTCACCCTTTCCC[C>A]AGACAATGCCCAAGACTACCAGTGGATCGGCCTGAACGACAGGACCATCGAAGGGGACTT-3'

ClinVar aggregate classification (germline): Uncertain significance (1 of 4 stars; one submission).

Allele frequency attached by ClinVar (database versions not stated): gnomAD 0.00001; gnomAD exomes 0.00001; ExAC 0.00005.
gnomAD v4.1: 11 of 1,613,594 alleles (0.00068%); highest among the groups gnomAD compares: East Asian, 0.022%; no homozygotes.

Submission:

Labcorp Genetics (formerly Invitae), Labcorp
Classification: Uncertain significance. Last evaluated: 2022-08-20. Review status: criteria provided, single submitter. Criteria: Invitae Variant Classification Sherloc (09022015). Collection method: clinical testing. Allele origin: germline.
Comment: Variants that disrupt the consensus splice site are a relatively common cause of aberrant splicing (PMID: 17576681, 9536098). Algorithms developed to predict the effect of sequence changes on RNA splicing suggest that this variant may create or strengthen a splice site. This variant has not been reported in the literature in individuals affected with ACAN-related conditions. This variant is present in population databases (rs764447775, gnomAD 0.06%). This sequence change falls in intron 14 of the ACAN gene. It does not directly change the encoded amino acid sequence of the ACAN protein. It affects a nucleotide within the consensus splice site. In summary, the available evidence is currently insufficient to determine the role of this variant in disease. Therefore, it has been classified as a Variant of Uncertain Significance.

Literature cited by the submitters: PubMed 17576681; PubMed 9536098.